The following is an entry in ClinVar:

ClinVar aggregate classification (germline): Uncertain significance (1 of 4 stars; one submission).

Conditions:
Alstrom syndrome (ALMS). Identifiers: Orphanet 64, MedGen C0268425, MONDO:0008763, OMIM 203800.

Submission:

Labcorp Genetics (formerly Invitae), Labcorp
Classification: Uncertain significance for Alstrom syndrome. Last evaluated: 2021-05-13. Review status: criteria provided, single submitter. Criteria: Invitae Variant Classification Sherloc (09022015). Collection method: clinical testing. Allele origin: germline.
Comment: This sequence change replaces asparagine with aspartic acid at codon 3460 of the ALMS1 protein (p.Asn3460Asp). The asparagine residue is weakly conserved and there is a small physicochemical difference between asparagine and aspartic acid. This variant is not present in population databases (ExAC no frequency). This variant has not been reported in the literature in individuals with ALMS1-related conditions. Experimental studies and prediction algorithms are not available or were not evaluated, and the functional significance of this variant is currently unknown. In summary, the available evidence is currently insufficient to determine the role of this variant in disease. Therefore, it has been classified as a Variant of Uncertain Significance.

NM_001378454.1(ALMS1):c.10375A>G (p.Asn3459Asp)

Gene: ALMS1 (ALMS1 centrosome and basal body associated protein; plus strand). Cytogenetic location: 2p13.1.
Variant type: single nucleotide variant.
Coding change: c.10375A>G on transcript NM_001378454.1 (MANE Select); coding-DNA position 10375, A replaced by G.
Protein change: p.Asn3459Asp; replaces asparagine 3459 with aspartic acid.
Molecular consequence: missense variant.
Genome position (GRCh38, 1-based): chr2:73,559,133, A>G. VCF-style: chr2-73559133-A-G. GRCh37 (hg19) VCF-style: chr2-73786260-A-G.
Other names: c.10378A>G, p.Asn3460Asp (NM_015120.4); short protein forms N3459D, N3460D.
Identifiers: ClinVar variation 1353387 (VCV001353387.6), dbSNP rs773439063, ClinGen allele CA347278344.
Genomic context (GRCh38, chr2:73,559,133, plus strand): 5'-CATAGGAAGAAGACAGTTCCCGAGGAAGCCTGGCCAAACAATAAAGAATCCCTACAGATC[A>G]ATATTGAAGGTAATGGGATTGGGTTGTGTATGAGTGTGTGTGTCTTTGTGTGTATGTGAG-3'
Protein context (NP_001365383.1, residues 3449-3469): WPNNKESLQI[Asn3459Asp]IEESECHSEF